The following is an entry in ClinVar:

ClinVar aggregate classification (germline): Pathogenic (1 of 4 stars; one submission).

Conditions:
Trichorhinophalangeal dysplasia type I (TRPS1). Also called: TRPS I; TRICHORHINOPHALANGEAL SYNDROME, TYPE I. Identifiers: Orphanet 77258, MedGen C0432233, MONDO:0008596, OMIM 190350.
Trichorhinophalangeal syndrome, type III (TRPS3). Also called: SUGIO-KAJII SYNDROME. Identifiers: Orphanet 77258, MedGen C1860823, OMIM 190351, MONDO:0008597.

Submission:

Labcorp Genetics (formerly Invitae), Labcorp
Classification: Pathogenic for Trichorhinophalangeal syndrome, type III; Trichorhinophalangeal dysplasia type I. Last evaluated: 2017-08-09. Review status: criteria provided, single submitter. Criteria: Invitae Variant Classification Sherloc (09022015). Collection method: clinical testing. Allele origin: germline.
Comment: For these reasons, this variant has been classified as Pathogenic. Loss-of-function variants in TRPS1 are known to be pathogenic (PMID: 11112658). This variant has not been reported in the literature in individuals with TRPS1-related disease. This variant is not present in population databases (ExAC no frequency). This sequence change creates a premature translational stop signal (p.Gln732Leufs*29) in the TRPS1 gene. It is expected to result in an absent or disrupted protein product.

Literature cited by the submitters: PubMed 11112658.

NM_014112.5(TRPS1):c.2195_2204del (p.Gln732fs)

Gene: TRPS1 (transcriptional repressor GATA binding 1; minus strand). Cytogenetic location: 8q23.3.
Variant type: Deletion.
Coding change: c.2195_2204del on transcript NM_014112.5 (MANE Select); coding-DNA positions 2195 to 2204, 10 bases deleted (AGGACATCAC; older notation c.2195_2204delAGGACATCAC).
Protein change: p.Gln732fs; shifts the reading frame from glutamine 732.
Molecular consequence: frameshift variant.
Genome position (GRCh38, 1-based): chr8:115,587,497-115,587,506, GTGATGTCCT deleted on the plus strand (AGGACATCAC on the coding strand, the reverse complement: TRPS1 is on the minus strand); deleting any 10 consecutive bases within chr8:115,587,497-115,587,508 gives the same sequence; the c. name uses the placement nearest the transcript's 3' end. VCF-style (leftmost placement, unchanged base first): chr8-115587496-AGTGATGTCCT-A. GRCh37 (hg19) VCF-style: chr8-116599723-AGTGATGTCCT-A.
Other names: c.2168_2177del, p.Gln723fs (NM_001282902.3); c.2174_2183del, p.Gln725fs (NM_001282903.3); c.2156_2165del, p.Gln719fs (NM_001330599.2); short protein forms Q732fs, Q719fs, Q725fs, Q723fs.
Identifiers: ClinVar variation 536120 (VCV000536120.6), dbSNP rs1554593085, ClinGen allele CA658797136.